The following is an entry in ClinVar:

NM_005751.5(AKAP9):c.3358C>G (p.Leu1120Val)

Gene: AKAP9 (A-kinase anchoring protein 9; plus strand). Cytogenetic location: 7q21.2.
Variant type: single nucleotide variant.
Coding change: c.3358C>G on transcript NM_005751.5 (MANE Select); coding-DNA position 3358, C replaced by G.
Protein change: p.Leu1120Val; replaces leucine 1120 with valine.
Molecular consequence: missense variant.
Genome position (GRCh38, 1-based): chr7:92,012,468, C>G. VCF-style: chr7-92012468-C-G. GRCh37 (hg19) VCF-style: chr7-91641782-C-G.
Other names: c.3358C>G, p.Leu1120Val (NM_147185.3); short protein forms L1120V.
Identifiers: ClinVar variation 1502778 (VCV001502778.8), dbSNP rs1300887608, ClinGen allele CA368125823.

ClinVar aggregate classification (germline): Uncertain significance (1 of 4 stars; one submission).

Conditions:
Long QT syndrome (LQTS). Identifiers: MedGen C0023976, MeSH D008133, MONDO:0002442. Disease mechanism: loss of function. Inheritance: Various modes of inheritance.

gnomAD v4.1: 2 of 1,614,078 alleles (0.00012%); highest among the groups gnomAD compares: East Asian, 0.0045%; no homozygotes.

Submission:

Labcorp Genetics (formerly Invitae), Labcorp
Classification: Uncertain significance for Long QT syndrome. Last evaluated: 2021-02-20. Review status: criteria provided, single submitter. Criteria: Invitae Variant Classification Sherloc (09022015). Collection method: clinical testing. Allele origin: germline.
Comment: In summary, the available evidence is currently insufficient to determine the role of this variant in disease. Therefore, it has been classified as a Variant of Uncertain Significance. Algorithms developed to predict the effect of missense changes on protein structure and function are either unavailable or do not agree on the potential impact of this missense change (SIFT: "Deleterious"; PolyPhen-2: "Probably Damaging"; Align-GVGD: "Class C0"). This variant has not been reported in the literature in individuals with AKAP9-related conditions. This variant is not present in population databases (ExAC no frequency). This sequence change replaces leucine with valine at codon 1120 of the AKAP9 protein (p.Leu1120Val). The leucine residue is highly conserved and there is a small physicochemical difference between leucine and valine.